The following is an entry in ClinVar:

NM_001378452.1(ITPR1):c.5894T>G (p.Leu1965Arg)

Gene: ITPR1 (inositol 1,4,5-trisphosphate receptor type 1; plus strand). Cytogenetic location: 3p26.1.
Variant type: single nucleotide variant.
Coding change: c.5894T>G on transcript NM_001378452.1 (MANE Select); coding-DNA position 5894, T replaced by G.
Protein change: p.Leu1965Arg; replaces leucine 1965 with arginine.
Molecular consequence: missense variant.
Genome position (GRCh38, 1-based): chr3:4,768,679, T>G. VCF-style: chr3-4768679-T-G. GRCh37 (hg19) VCF-style: chr3-4810363-T-G.
Other names: c.5750T>G, p.Leu1917Arg (NM_001099952.4); c.5849T>G, p.Leu1950Arg (NM_001168272.2); c.5705T>G, p.Leu1902Arg (NM_002222.7); short protein forms L1902R, L1917R, L1950R, L1965R.
Identifiers: ClinVar variation 3776505 (VCV003776505.2).

ClinVar aggregate classification (germline): Uncertain significance (1 of 4 stars; one submission).

Submission:

GeneDx
Classification: Uncertain significance. Last evaluated: 2026-10-15. Review status: criteria provided, single submitter. Criteria: GeneDx Variant Classification Process June 2021. Collection method: clinical testing. Allele origin: germline.
Comment: Not observed at significant frequency in large population cohorts (gnomAD); In silico analysis suggests that this missense variant does not alter protein structure/function; Has not been previously published as pathogenic or benign to our knowledge